The following is an entry in ClinVar:

ClinVar aggregate classification (germline): Pathogenic. Review status: criteria provided, single submitter (1 of 4 stars). 2 submissions from 2 submitters: Pathogenic (1). 1 of the submissions does not count toward it. Last evaluated 2024-12-20.

Conditions:
Birt-Hogg-Dube syndrome. Also called: Birt Hogg Dubé syndrome. Identifiers: Orphanet 122, MedGen C0346010, MONDO:0800444.
Hereditary cancer-predisposing syndrome. Also called: Neoplastic Syndromes, Hereditary; Hereditary Cancer Syndrome; Tumor predisposition; Hereditary neoplastic syndrome. Identifiers: Orphanet 140162, MedGen C0027672, MeSH D009386, MONDO:0015356.

Submissions (2):

Ambry Genetics
Classification: Pathogenic for Hereditary cancer-predisposing syndrome. Last evaluated: 2024-12-20. Review status: criteria provided, single submitter. Criteria: Ambry Variant Classification Scheme 2023. Collection method: clinical testing. Allele origin: germline.
Comment: The c.1300+2T>C intronic pathogenic mutation results from a T to C substitution two nucleotides after coding exon 8 in the FLCN gene. This variant was reported in individuals with features consistent with Birt-Hogg-Dube syndrome (Maff&eacute; A et al. Clin Genet, 2011 Apr;79:345-54; Namba Y et al. PLoS One, 2023 Jul;18:e0289175; Torricelli E et al. Respiration, 2019 Jul;98:125-132; Ambry internal data). This nucleotide position is highly conserved in available vertebrate species. In silico splice site analysis predicts that this alteration will weaken the native splice donor site. RNA studies have demonstrated that this alteration results in abnormal splicing in the set of samples tested (Ambry internal data). Based on the supporting evidence, this variant is interpreted as a disease-causing mutation.

Division of Respiratory Medicine of Juntendo University, Juntendo University Faculty of Medicine and Graduate School of Medicine
Classification: Pathogenic for Birt-Hogg-Dube syndrome 1. Last evaluated: 2023-07-01. Review status: no assertion criteria provided. Collection method: clinical testing. Allele origin: germline. Affected: yes. Not counted in ClinVar's aggregate classification.

Literature cited by the submitters: PubMed 20618353 (cited by Ambry Genetics); PubMed 31266032 (cited by Ambry Genetics); PubMed 37490463 (cited by Ambry Genetics).

NM_144997.7(FLCN):c.1300+2T>C

Gene: FLCN (folliculin; minus strand). Cytogenetic location: 17p11.2.
Variant type: single nucleotide variant.
Coding change: c.1300+2T>C on transcript NM_144997.7 (MANE Select); the canonical splice donor site of the intron after coding-DNA position 1300, T replaced by C.
Molecular consequence: splice donor variant.
Genome position (GRCh38, 1-based): chr17:17,216,378, A>G on the plus strand (T>C on the coding strand, the complement: FLCN is on the minus strand). VCF-style: chr17-17216378-A-G. GRCh37 (hg19) VCF-style: chr17-17119692-A-G.
Other names: c.1300+2T>C (NM_001353231.2, NM_001353230.2, NM_144997.5); c.1354+2T>C (NM_001353229.2).
Identifiers: ClinVar variation 2578470 (VCV002578470.2), dbSNP rs1064793766, ClinGen allele CA398531565.
Genomic context (GRCh38, chr17:17,216,378, plus strand): 5'-GGGCCTGAGGCGTGGGGAACCTCAGCGCAGGGCATGGCCCCACAGCCCGCGGGGGCACGC[A>G]CCTGAGGAGAGCACGTGGGGGGGGATCTGCACGTGCGGGCTGAGCCCCAGGAAGTTGCAC-3'